The following is an entry in ClinVar:

NM_000138.5(FBN1):c.5999G>A (p.Cys2000Tyr)

Gene: FBN1 (fibrillin 1; minus strand). Cytogenetic location: 15q21.1.
Variant type: single nucleotide variant.
Coding change: c.5999G>A on transcript NM_000138.5 (MANE Select); coding-DNA position 5999, G replaced by A.
Protein change: p.Cys2000Tyr; replaces cysteine 2000 with tyrosine.
Molecular consequence: missense variant.
Genome position (GRCh38, 1-based): chr15:48,444,579, C>T on the plus strand (G>A on the coding strand, the complement: FBN1 is on the minus strand). VCF-style: chr15-48444579-C-T. GRCh37 (hg19) VCF-style: chr15-48736776-C-T.
Other names: short protein forms C2000Y.
Identifiers: ClinVar variation 521729 (VCV000521729.9), dbSNP rs1555395645, ClinGen allele CA392339674.

ClinVar aggregate classification (germline): Pathogenic/Likely pathogenic. Review status: criteria provided, multiple submitters, no conflicts (2 of 4 stars). 3 submissions from 3 submitters: Pathogenic (1); Likely pathogenic (2). Last evaluated 2024-02-08.

Conditions:
Marfan syndrome (MFS). Also called: Marfan syndrome type 1; Marfan syndrome, classic; Marfan's syndrome; FBN1-Related Marfan Syndrome; MARFAN SYNDROME, TYPE I. Identifiers: Orphanet 284963, Orphanet 558, MedGen C0024796, MONDO:0007947, OMIM 154700.
Familial thoracic aortic aneurysm and aortic dissection (TAAD). Also called: Thoracic aortic aneurysms and dissections. Identifiers: Orphanet 91387, MedGen C4707243, MONDO:0019625.

Submissions (3):

North West Genomic Laboratory Hub, Manchester University NHS Foundation Trust
Classification: Likely pathogenic for Marfan syndrome. Last evaluated: 2024-02-08. Review status: criteria provided, single submitter. Criteria: ACGS Best Practice Guidelines for Variant Classification in Rare Disease 2020. Collection method: clinical testing. Allele origin: germline. Affected: yes.
Comment: PM1_Str PM2_Supp PM6_Supp PP2_Supp PP3_Supp

Ambry Genetics
Classification: Pathogenic for Familial thoracic aortic aneurysm and aortic dissection. Last evaluated: 2023-01-17. Review status: criteria provided, single submitter. Criteria: Ambry Variant Classification Scheme 2023. Collection method: clinical testing. Allele origin: germline.
Comment: The p.C2000Y pathogenic mutation (also known as c.5999G>A), located in coding exon 48 of the FBN1 gene, results from a G to A substitution at nucleotide position 5999. The cysteine at codon 2000 is replaced by tyrosine, an amino acid with highly dissimilar properties. The majority of FBN1 mutations identified to date have involved the substitution or generation of cysteine residues within cbEGF domains (Vollbrandt T et al. J Biol Chem. 2004;279(31):32924-32931). Internal structural analysis indicates this alteration eliminates a disulfide bond critical for the structural integrity of the cbEGF30 domain (Ambry internal data). This variant is considered to be rare based on population cohorts in the Genome Aggregation Database (gnomAD). In addition, this alteration is predicted to be deleterious by in silico analysis. Based on the supporting evidence, this alteration is interpreted as a disease-causing mutation.

Labcorp Genetics (formerly Invitae), Labcorp
Classification: Likely pathogenic for Marfan syndrome; Familial thoracic aortic aneurysm and aortic dissection. Last evaluated: 2022-08-20. Review status: criteria provided, single submitter. Criteria: Invitae Variant Classification Sherloc (09022015). Collection method: clinical testing. Allele origin: germline.
Comment: In summary, the currently available evidence indicates that the variant is pathogenic, but additional data are needed to prove that conclusively. Therefore, this variant has been classified as Likely Pathogenic. This variant affects a cysteine residue in the EGF-like, TGFBP or hybrid motif domains of FBN1. Cysteine residues are believed to be involved in intramolecular disulfide bridges and have been shown to be important for FBN1 protein structure (PMID: 16905551, 19349279). In addition, missense substitutions affecting cysteine residues within these domains are significantly overrepresented among patients with Marfan syndrome (PMID: 16571647, 17701892). Advanced modeling of protein sequence and biophysical properties (such as structural, functional, and spatial information, amino acid conservation, physicochemical variation, residue mobility, and thermodynamic stability) performed at Invitae indicates that this missense variant is expected to disrupt FBN1 protein function. ClinVar contains an entry for this variant (Variation ID: 521729). This variant has not been reported in the literature in individuals affected with FBN1-related conditions. This variant is not present in population databases (gnomAD no frequency). This sequence change replaces cysteine, which is neutral and slightly polar, with tyrosine, which is neutral and polar, at codon 2000 of the FBN1 protein (p.Cys2000Tyr).

Literature cited by the submitters: PubMed 16905551 (cited by Labcorp Genetics (formerly Invitae), Labcorp); PubMed 19349279 (cited by Labcorp Genetics (formerly Invitae), Labcorp); PubMed 16571647 (cited by Labcorp Genetics (formerly Invitae), Labcorp); PubMed 17701892 (cited by Labcorp Genetics (formerly Invitae), Labcorp).